The following is an entry in ClinVar:

NM_001085049.3(MRAS):c.351G>T (p.Glu117Asp)

Gene: MRAS (muscle RAS oncogene homolog; plus strand). Cytogenetic location: 3q22.3.
Variant type: single nucleotide variant.
Coding change: c.351G>T on transcript NM_001085049.3 (MANE Select); coding-DNA position 351, G replaced by T.
Protein change: p.Glu117Asp; replaces glutamic acid 117 with aspartic acid.
Molecular consequence: missense variant.
Genome position (GRCh38, 1-based): chr3:138,398,472, G>T. VCF-style: chr3-138398472-G-T. GRCh37 (hg19) VCF-style: chr3-138117314-G-T.
Other names: c.351G>T, p.Glu117Asp (NM_001252090.2, NM_012219.4); c.123G>T, p.Glu41Asp (NM_001252091.1, NM_001252092.2, NM_001252093.2); short protein forms E117D, E41D.
Identifiers: ClinVar variation 1461725 (VCV001461725.8), dbSNP rs2108563684, ClinGen allele CA354674246.

ClinVar aggregate classification (germline): Uncertain significance (1 of 4 stars; one submission).

Submission:

Labcorp Genetics (formerly Invitae), Labcorp
Classification: Uncertain significance. Last evaluated: 2021-05-13. Review status: criteria provided, single submitter. Criteria: Invitae Variant Classification Sherloc (09022015). Collection method: clinical testing. Allele origin: germline.
Comment: This sequence change replaces glutamic acid with aspartic acid at codon 117 of the MRAS protein (p.Glu117Asp). The glutamic acid residue is highly conserved and there is a small physicochemical difference between glutamic acid and aspartic acid. In summary, the available evidence is currently insufficient to determine the role of this variant in disease. Therefore, it has been classified as a Variant of Uncertain Significance. Algorithms developed to predict the effect of missense changes on protein structure and function are either unavailable or do not agree on the potential impact of this missense change (SIFT: "Deleterious"; PolyPhen-2: "Benign"; Align-GVGD: "Class C35"). This variant has not been reported in the literature in individuals with MRAS-related conditions. This variant is not present in population databases (ExAC no frequency).